The following is an entry in ClinVar:

NM_005022.4(PFN1):c.281G>A (p.Gly94Asp)

Gene: PFN1 (profilin 1; minus strand). Cytogenetic location: 17p13.2.
Variant type: single nucleotide variant.
Coding change: c.281G>A on transcript NM_005022.4 (MANE Select); coding-DNA position 281, G replaced by A.
Protein change: p.Gly94Asp; replaces glycine 94 with aspartic acid.
Molecular consequence: missense variant.
Genome position (GRCh38, 1-based): chr17:4,946,672, C>T on the plus strand (G>A on the coding strand, the complement: PFN1 is on the minus strand). VCF-style: chr17-4946672-C-T. GRCh37 (hg19) VCF-style: chr17-4849967-C-T.
Other names: c.281G>A, p.Gly94Asp (NM_001375991.1); short protein forms G94D.
Identifiers: ClinVar variation 2428478 (VCV002428478.6), dbSNP rs1971404450, ClinGen allele CA397271872.

ClinVar aggregate classification (germline): Uncertain significance (1 of 4 stars; one submission).

Allele frequency attached by ClinVar (database versions not stated): TOPMed below 0.00001.

Submission:

Labcorp Genetics (formerly Invitae), Labcorp
Classification: Uncertain significance. Last evaluated: 2022-03-22. Review status: criteria provided, single submitter. Criteria: Invitae Variant Classification Sherloc (09022015). Collection method: clinical testing. Allele origin: germline.
Comment: This sequence change replaces glycine, which is neutral and non-polar, with aspartic acid, which is acidic and polar, at codon 94 of the PFN1 protein (p.Gly94Asp). This variant is not present in population databases (gnomAD no frequency). This variant has not been reported in the literature in individuals affected with PFN1-related conditions. Algorithms developed to predict the effect of missense changes on protein structure and function (SIFT, PolyPhen-2, Align-GVGD) all suggest that this variant is likely to be tolerated. In summary, the available evidence is currently insufficient to determine the role of this variant in disease. Therefore, it has been classified as a Variant of Uncertain Significance.